The following is an entry in ClinVar:

ClinVar aggregate classification (germline): Likely benign. Review status: criteria provided, multiple submitters, no conflicts (2 of 4 stars). 3 submissions from 3 submitters: Likely benign (3). Last evaluated 2026-01-28.

Conditions:
Cardiovascular phenotype. Identifiers: MedGen CN230736.
Autosomal recessive limb-girdle muscular dystrophy type 2J (LGMDR10). Also called: Limb-girdle muscular dystrophy, type 2J; MUSCULAR DYSTROPHY, LIMB-GIRDLE, AUTOSOMAL RECESSIVE 10. Identifiers: Orphanet 140922, MedGen C1837342, MONDO:0012127, OMIM 608807.
Dilated cardiomyopathy 1G (CMD1G). Identifiers: Orphanet 154, MedGen C1858763, MONDO:0011400, OMIM 604145.

Allele frequency attached by ClinVar (database versions not stated): gnomAD 0.00001; gnomAD exomes 0.00001; TOPMed 0.00001.
gnomAD v4.1: 16 of 1,530,034 alleles (0.001%); highest among the groups gnomAD compares: South Asian, 0.0013%; no homozygotes.

Submissions (3):

Labcorp Genetics (formerly Invitae), Labcorp
Classification: Likely benign for Dilated cardiomyopathy 1G; Autosomal recessive limb-girdle muscular dystrophy type 2J. Last evaluated: 2026-01-28. Review status: criteria provided, single submitter. Criteria: Invitae Variant Classification Sherloc (09022015). Collection method: clinical testing. Allele origin: germline.

Ambry Genetics
Classification: Likely benign for Cardiovascular phenotype. Last evaluated: 2023-01-13. Review status: criteria provided, single submitter. Criteria: Ambry Variant Classification Scheme 2023. Collection method: clinical testing. Allele origin: germline.

GeneDx
Classification: Likely benign. Last evaluated: 2019-04-26. Review status: criteria provided, single submitter. Criteria: GeneDx Variant Classification Process June 2021. Collection method: clinical testing. Allele origin: germline. Affected: yes.
Comment: Has not been previously published as pathogenic or benign to our knowledge; In-silico analysis, which includes splice predictors and evolutionary conservation, is inconclusive as to whether the variant alters gene splicing. In the absence of RNA/functional studies, the actual effect of this sequence change is unknown.

NM_001267550.2(TTN):c.63168G>A (p.Val21056=)

Genes: TTN (titin; minus strand), TTN-AS1 (TTN antisense RNA 1; plus strand). Cytogenetic location: 2q31.2.
Variant type: single nucleotide variant.
Coding change: c.63168G>A on transcript NM_001267550.2 (MANE Select); coding-DNA position 63168, G replaced by A.
Protein change: p.Val21056=; no amino-acid change (valine 21056 retained).
Molecular consequence: synonymous variant.
Genome position (GRCh38, 1-based): chr2:178,588,557, C>T on the plus strand (G>A on the coding strand, the complement: TTN is on the minus strand). VCF-style: chr2-178588557-C-T. GRCh37 (hg19) VCF-style: chr2-179453284-C-T.
Other names: c.58245G>A, p.Val19415= (NM_001256850.1); c.35973G>A, p.Val11991= (NM_003319.4); c.55464G>A, p.Val18488= (NM_133378.4); c.36348G>A, p.Val12116= (NM_133432.3); c.36549G>A, p.Val12183= (NM_133437.4).
Identifiers: ClinVar variation 1186444 (VCV001186444.12), dbSNP rs900253685, ClinGen allele CA60966390.